The following is an entry in ClinVar:

ClinVar aggregate classification (germline): Uncertain significance. Review status: criteria provided, multiple submitters, no conflicts (2 of 4 stars). 2 submissions from 2 submitters: Uncertain significance (2). Last evaluated 2024-09-30.

Submissions (2):

Labcorp Genetics (formerly Invitae), Labcorp
Classification: Uncertain significance. Last evaluated: 2024-09-30. Review status: criteria provided, single submitter. Criteria: Invitae Variant Classification Sherloc (09022015). Collection method: clinical testing. Allele origin: germline.
Comment: This sequence change replaces threonine, which is neutral and polar, with arginine, which is basic and polar, at codon 756 of the RBP3 protein (p.Thr756Arg). This variant is present in population databases (rs782160182, gnomAD 0.006%). This variant has not been reported in the literature in individuals affected with RBP3-related conditions. An algorithm developed to predict the effect of missense changes on protein structure and function (PolyPhen-2) suggests that this variant is likely to be disruptive. In summary, the available evidence is currently insufficient to determine the role of this variant in disease. Therefore, it has been classified as a Variant of Uncertain Significance.

Blueprint Genetics
Classification: Uncertain significance. Last evaluated: 2020-09-02. Review status: criteria provided, single submitter. Criteria: ACMG Guidelines, 2015. Collection method: clinical testing. Allele origin: germline.

NM_002900.3(RBP3):c.2267C>G (p.Thr756Arg)

Gene: RBP3 (retinol binding protein 3; plus strand). Cytogenetic location: 10q11.22.
Variant type: single nucleotide variant.
Coding change: c.2267C>G on transcript NM_002900.3 (MANE Select); coding-DNA position 2267, C replaced by G.
Protein change: p.Thr756Arg; replaces threonine 756 with arginine.
Molecular consequence: missense variant.
Genome position (GRCh38, 1-based): chr10:47,350,751, C>G. VCF-style: chr10-47350751-C-G. GRCh37 (hg19) VCF-style: chr10-48388611-G-C.
Other names: short protein forms T756R.
Identifiers: ClinVar variation 3616323 (VCV003616323.3).